The following is an entry in ClinVar:

NC_012920.1(MT-CYB):m.15784T>C

Gene: MT-CYB (mitochondrially encoded cytochrome b; plus strand).
Variant type: single nucleotide variant.
Genome position: chrM-15784-T-C.
Identifiers: ClinVar variation 143899 (VCV000143899.4), dbSNP rs527236194, ClinGen allele CA270623.

ClinVar aggregate classification (germline): Benign. Review status: criteria provided, single submitter (1 of 4 stars). 2 submissions from 2 submitters: Benign (1). 1 of the submissions does not count toward it. Last evaluated 2023-08-29.

Conditions:
Familial cancer of breast. Also called: BREAST CANCER, FAMILIAL; Hereditary breast cancer; hereditary breast carcinoma. Identifiers: Orphanet 227535, MedGen C0346153, MONDO:0016419, OMIM 114480. Disease mechanism: loss of function.

Submissions (2):

Ophthalmic Genetics Group, Institute of Molecular and Clinical Ophthalmology Basel
Classification: Benign for Familial cancer of breast. Last evaluated: 2023-08-29. Review status: criteria provided, single submitter. Criteria: ACMG Guidelines, 2015. Collection method: curation. Allele origin: unknown.
Comment: Clinical significance based on ACMG v2.0

This variant was classified as Benign based on ACMG criteria: BA1.

Department of Zoology Govt. MVM College
Classification: Likely pathogenic for Familial cancer of breast. Review status: no assertion criteria provided. Collection method: not provided. Allele origin: unknown. Not counted in ClinVar's aggregate classification.
Comment: KM276978
ClinVar note: Converted during submission from probable-pathogenic to Likely pathogenic.